The following is an entry in ClinVar:

ClinVar aggregate classification (germline): Uncertain significance (1 of 4 stars; one submission).

Conditions:
Hereditary cancer-predisposing syndrome. Also called: Hereditary Cancer Syndrome; Neoplastic Syndromes, Hereditary; Tumor predisposition; Hereditary neoplastic syndrome. Identifiers: Orphanet 140162, MedGen C0027672, MeSH D009386, MONDO:0015356.

Submission:

Ambry Genetics
Classification: Uncertain significance for Hereditary cancer-predisposing syndrome. Last evaluated: 2026-08-31. Review status: criteria provided, single submitter. Criteria: Ambry Variant Classification Scheme 2023. Collection method: clinical testing. Allele origin: germline.
Comment: The p.K99N variant (also known as c.297A>C), located in coding exon 2 of the CTNNA1 gene, results from an A to C substitution at nucleotide position 297. The lysine at codon 99 is replaced by asparagine, an amino acid with similar properties. This amino acid position is conserved. In addition, this alteration is predicted to be tolerated by in silico analysis. Based on the available evidence, the clinical significance of this variant remains unclear.

NM_001903.5(CTNNA1):c.297A>C (p.Lys99Asn)

Gene: CTNNA1 (catenin alpha 1; plus strand). Cytogenetic location: 5q31.2.
Variant type: single nucleotide variant.
Coding change: c.297A>C on transcript NM_001903.5 (MANE Select); coding-DNA position 297, A replaced by C.
Protein change: p.Lys99Asn; replaces lysine 99 with asparagine.
Molecular consequence: missense variant. On other transcripts: intron variant (2).
Genome position (GRCh38, 1-based): chr5:138,783,368, A>C. VCF-style: chr5-138783368-A-C. GRCh37 (hg19) VCF-style: chr5-138119057-A-C.
Other names: c.297A>C, p.Lys99Asn (NM_001290307.3, NM_001323982.2, NM_001323983.1 and 3 more transcripts); c.-6+96A>C (NM_001290310.3); c.-9+1339A>C (NM_001290309.3); short protein forms K99N.
Identifiers: ClinVar variation 5035018 (VCV005035018.1).
Genomic context (GRCh38, chr5:138,783,368, plus strand): 5'-TGCGAAGGAGAGCCAGTTTCTCAAGGAGGAGCTTGTGGCTGCTGTAGAAGATGTTCGAAA[A>C]CAAGGTAGGTCATTACTGCTTTTTAGGTAAAGAGAGGCAGGCCTTTCTAGAAAATCAGTG-3'
Protein context (NP_001894.2, residues 89-109): ELVAAVEDVR[Lys99Asn]QGDLMKAAAG